The following is an entry in ClinVar:

ClinVar aggregate classification (germline): Likely pathogenic (1 of 4 stars; one submission).

Conditions:
Coronary artery disease, autosomal dominant 2 (ADCAD2). Identifiers: MedGen C1970440, MONDO:0012586, OMIM 610947.
Tooth agenesis, selective, 7 (STHAG7). Identifiers: Orphanet 99798, MedGen C4225231, MONDO:0014749, OMIM 616724.

Submission:

Juno Genomics, Hangzhou Juno Genomics, Inc
Classification: Likely pathogenic for Coronary artery disease, autosomal dominant 2; Tooth agenesis, selective, 7. Review status: criteria provided, single submitter. Criteria: ACMG Guidelines, 2015. Collection method: clinical testing. Allele origin: germline.
Comment: Absent from controls (or at extremely low frequency if recessive) in Genome Aggregation Database.;Multiple lines of computational evidence support a deleterious effect on the gene or gene product.;Missense variant in a gene that has a low rate of benign missense variation.

NM_002336.3(LRP6):c.4079G>A (p.Cys1360Tyr)

Gene: LRP6 (LDL receptor related protein 6; minus strand). Cytogenetic location: 12p13.2.
Variant type: single nucleotide variant.
Coding change: c.4079G>A on transcript NM_002336.3 (MANE Select); coding-DNA position 4079, G replaced by A.
Protein change: p.Cys1360Tyr; replaces cysteine 1360 with tyrosine.
Molecular consequence: missense variant. On other transcripts: non-coding transcript variant (1).
Genome position (GRCh38, 1-based): chr12:12,130,785, C>T on the plus strand (G>A on the coding strand, the complement: LRP6 is on the minus strand). VCF-style: chr12-12130785-C-T. GRCh37 (hg19) VCF-style: chr12-12283719-C-T.
Other names: c.4172G>A, p.Cys1391Tyr (NM_001414244.1); c.4079G>A, p.Cys1360Tyr (NM_001414245.1, NM_001414248.1, NM_001414249.1 and 1 more transcripts); c.3944G>A, p.Cys1315Tyr (NM_001414246.1); c.3881G>A, p.Cys1294Tyr (NM_001414247.1); c.3716G>A, p.Cys1239Tyr (NM_001414251.1); c.3626G>A, p.Cys1209Tyr (NM_001414252.1, NM_001414253.1, NM_001414254.1); c.3572G>A, p.Cys1191Tyr (NM_001414255.1); short protein forms C1209Y, C1191Y, C1239Y, C1315Y, C1391Y, C1294Y, C1360Y.
Identifiers: ClinVar variation 5005046 (VCV005005046.2).